The following is an entry in ClinVar:

NM_015338.6(ASXL1):c.1955G>T (p.Gly652Val)

Gene: ASXL1 (ASXL transcriptional regulator 1; plus strand). Cytogenetic location: 20q11.21.
Variant type: single nucleotide variant.
Coding change: c.1955G>T on transcript NM_015338.6 (MANE Select); coding-DNA position 1955, G replaced by T.
Protein change: p.Gly652Val; replaces glycine 652 with valine.
Molecular consequence: missense variant.
Genome position (GRCh38, 1-based): chr20:32,434,667, G>T. VCF-style: chr20-32434667-G-T. GRCh37 (hg19) VCF-style: chr20-31022470-G-T.
Other names: c.1772G>T, p.Gly591Val (NM_001363734.1); short protein forms G652V, G591V.
Identifiers: ClinVar variation 4588068 (VCV004588068.1).
Genomic context (GRCh38, chr20:32,434,667, plus strand): 5'-GCCATAGAGAGGCGGCCACCACTGCCATCGGAGGGGGGGGTGGCCCGGGTGGAGGTGGCG[G>T]CGGGGCCACCGATGAGGGAGGTGGCAGAGGCAGCAGCAGTGGTGATGGTGGTGAGGCCTG-3'
Protein context (NP_056153.2, residues 642-662): GGGGGPGGGG[Gly652Val]GATDEGGGRG

ClinVar aggregate classification (germline): Uncertain significance (1 of 4 stars; one submission).

Conditions:
Inborn genetic diseases. Identifiers: MedGen C0950123, MeSH D030342.

Submission:

Ambry Genetics
Classification: Uncertain significance for Inborn genetic diseases. Last evaluated: 2025-10-23. Review status: criteria provided, single submitter. Criteria: Ambry Variant Classification Scheme 2023. Collection method: clinical testing. Allele origin: germline.
Comment: The p.G652V variant (also known as c.1955G>T), located in coding exon 13 of the ASXL1 gene, results from a G to T substitution at nucleotide position 1955. The glycine at codon 652 is replaced by valine, an amino acid with dissimilar properties. This amino acid position is conserved. In addition, this alteration is predicted to be tolerated by in silico analysis. Based on the available evidence, the clinical significance of this variant remains unclear.